The following is an entry in ClinVar:

NM_032119.4(ADGRV1):c.2740T>C (p.Tyr914His)

Gene: ADGRV1 (adhesion G protein-coupled receptor V1; plus strand). Cytogenetic location: 5q14.3.
Variant type: single nucleotide variant.
Coding change: c.2740T>C on transcript NM_032119.4 (MANE Select); coding-DNA position 2740, T replaced by C.
Protein change: p.Tyr914His; replaces tyrosine 914 with histidine.
Molecular consequence: missense variant. On other transcripts: non-coding transcript variant (1).
Genome position (GRCh38, 1-based): chr5:90,644,711, T>C. VCF-style: chr5-90644711-T-C. GRCh37 (hg19) VCF-style: chr5-89940528-T-C.
Other names: short protein forms Y914H.
Identifiers: ClinVar variation 287089 (VCV000287089.25), dbSNP rs189967386, ClinGen allele CA3339011.

ClinVar aggregate classification (germline): Conflicting classifications of pathogenicity. Review status: criteria provided, conflicting classifications (1 of 4 stars). 6 submissions from 6 submitters: Uncertain significance (3); Likely benign (2). 1 of the submissions does not count toward it. Last evaluated 2026-01-26.

Conditions:
Inborn genetic diseases. Identifiers: MedGen C0950123, MeSH D030342.
ADGRV1-related disorder. Also called: ADGRV1-related condition; ADGRV1-related disorders.

Allele frequency attached by ClinVar (database versions not stated): ExAC 0.00029; gnomAD 0.00064; ESP Exome Variant Server 0.00076; 1000 Genomes Project 30x 0.00094; TOPMed 0.00096; 1000 Genomes Project 0.00100.
gnomAD v4.1: 245 of 1,606,742 alleles (0.015%); highest among the groups gnomAD compares: African/African-American, 0.28%; no homozygotes.

Submissions (6):

Labcorp Genetics (formerly Invitae), Labcorp
Classification: Likely benign. Last evaluated: 2026-01-26. Review status: criteria provided, single submitter. Criteria: Invitae Variant Classification Sherloc (09022015). Collection method: clinical testing. Allele origin: germline.

Ambry Genetics
Classification: Uncertain significance for Inborn genetic diseases. Last evaluated: 2025-05-13. Review status: criteria provided, single submitter. Criteria: Ambry Variant Classification Scheme 2023. Collection method: clinical testing. Allele origin: germline.

Blueprint Genetics
Classification: Uncertain significance. Last evaluated: 2023-07-17. Review status: criteria provided, single submitter. Criteria: ACMG Guidelines, 2015. Collection method: clinical testing. Allele origin: germline.

GeneDx
Classification: Likely benign. Last evaluated: 2022-03-16. Review status: criteria provided, single submitter. Criteria: GeneDx Variant Classification Process June 2021. Collection method: clinical testing. Allele origin: germline. Affected: yes.

Eurofins Ntd Llc (ga)
Classification: Uncertain significance. Last evaluated: 2018-01-18. Review status: criteria provided, single submitter. Criteria: EGL Classification Definitions 2015. Collection method: clinical testing. Allele origin: germline. Observed: 6 variant alleles, 6 heterozygotes.

PreventionGenetics, part of Exact Sciences
Classification: Likely benign for ADGRV1-related condition. Last evaluated: 2022-05-20. Review status: no assertion criteria provided. Collection method: clinical testing. Allele origin: germline. Not counted in ClinVar's aggregate classification.
Comment: This variant is classified as likely benign based on ACMG/AMP sequence variant interpretation guidelines (Richards et al. 2015 PMID: 25741868, with internal and published modifications).